The following is an entry in ClinVar:

ClinVar aggregate classification (germline): Uncertain significance (0 of 4 stars; one submission).

Conditions:
NLRP5-related disorder. Also called: NLRP5-related condition.

Submission:

PreventionGenetics, part of Exact Sciences
Classification: Uncertain significance for NLRP5-related condition. Last evaluated: 2023-12-11. Review status: no assertion criteria provided. Collection method: clinical testing. Allele origin: germline.
Comment: The NLRP5 c.1622dupA variant is predicted to result in a frameshift and premature protein termination (p.Asn541Lysfs*2). To our knowledge, this variant has not been reported in the literature or in a large population database, indicating this variant is rare. Although we suspect that this variant may be pathogenic, at this time, the clinical significance of this variant is uncertain due to the absence of conclusive functional and genetic evidence.

NC_000019.10:g.56027855dup

Gene: NLRP5 (NLR family pyrin domain containing 5; plus strand). Cytogenetic location: 19q13.43.
Variant type: Duplication.
Genome position: GRCh38 VCF-style: chr19-56027853-G-GA. GRCh37 (hg19) VCF-style: chr19-56539219-G-GA.
Other names: NM_153447.4:c.1622dupA.
Identifiers: ClinVar variation 3033727 (VCV003033727.2), dbSNP rs2514453966, ClinGen allele CA2740096979.
Genomic context (GRCh38, chr19:56,027,853, plus strand): 5'-CAATCTGGAGGAAAGAGTTGTCCTGAAGCGCTTCTGCCGTATGGCTGTGGAGGGAGTGTG[G>GA]AATAGGAAGTCAGTGTTTGACGGTGACGACCTCATGGTTCAAGGACTCGGGGAGTCTGAG-3'